The following is an entry in ClinVar:

ClinVar aggregate classification (germline): Likely benign. Review status: criteria provided, multiple submitters, no conflicts (2 of 4 stars). 2 submissions from 2 submitters: Likely benign (2). Last evaluated 2026-07-03.

Conditions:
Nephronophthisis 14 (NPHP14). Identifiers: Orphanet 2318, MedGen C3539071, MONDO:0013916, OMIM 614844.
ZNF423-related disorder. Also called: ZNF423-related condition.

Allele frequency attached by ClinVar (database versions not stated): ExAC 0.00001; gnomAD 0.00001; TOPMed 0.00002.
gnomAD v4.1: 51 of 1,613,946 alleles (0.0032%); highest among the groups gnomAD compares: Middle Eastern, 0.016%; no homozygotes.

Submissions (2):

PreventionGenetics, part of Exact Sciences
Classification: Likely benign for ZNF423-related condition. Last evaluated: 2026-07-03. Review status: criteria provided, single submitter. Criteria: ACMG Guidelines, 2015. Collection method: clinical testing. Allele origin: germline.
Comment: This variant is classified as likely benign based on ACMG/AMP sequence variant interpretation guidelines (Richards et al. 2015 PMID: 25741868, with internal and published modifications).

Labcorp Genetics (formerly Invitae), Labcorp
Classification: Likely benign for Nephronophthisis 14. Last evaluated: 2025-02-09. Review status: criteria provided, single submitter. Criteria: Invitae Variant Classification Sherloc (09022015). Collection method: clinical testing. Allele origin: germline.

NM_001379286.1(ZNF423):c.408C>T (p.Gly136=)

Gene: ZNF423 (zinc finger protein 423; minus strand). Cytogenetic location: 16q12.1.
Variant type: single nucleotide variant.
Coding change: c.408C>T on transcript NM_001379286.1 (MANE Select); coding-DNA position 408, C replaced by T.
Protein change: p.Gly136=; no amino-acid change (glycine 136 retained).
Molecular consequence: synonymous variant.
Genome position (GRCh38, 1-based): chr16:49,638,768, G>A on the plus strand (C>T on the coding strand, the complement: ZNF423 is on the minus strand). VCF-style: chr16-49638768-G-A. GRCh37 (hg19) VCF-style: chr16-49672679-G-A.
Other names: c.204C>T, p.Gly68= (NM_001271620.2); c.33C>T, p.Gly11= (NM_001330533.2); c.384C>T, p.Gly128= (NM_015069.5); c.384C>T (NM_015069.4).
Identifiers: ClinVar variation 845480 (VCV000845480.10), dbSNP rs771424265, ClinGen allele CA8046876.